The following is an entry in ClinVar:

ClinVar aggregate classification (germline): Conflicting classifications of pathogenicity. Review status: criteria provided, conflicting classifications (1 of 4 stars). 3 submissions from 3 submitters: Uncertain significance (1); Benign (2). Last evaluated 2026-01-11.

Conditions:
Mitochondrial complex I deficiency, nuclear type 1. Also called: NADH-COENZYME Q REDUCTASE DEFICIENCY; MITOCHONDRIAL NADH DEHYDROGENASE COMPONENT OF COMPLEX I, DEFICIENCY OF. Identifiers: MedGen C6022305, MONDO:0100224, OMIM 252010.

Allele frequency attached by ClinVar (database versions not stated): gnomAD exomes 0.00059 and 0.00160; ExAC 0.00223; 1000 Genomes Project 0.00559; 1000 Genomes Project 30x 0.00593; ESP Exome Variant Server 0.00593; gnomAD 0.00619 and 0.00667; TOPMed 0.00721.
gnomAD v4.1: 1,863 of 1,613,286 alleles (0.12%); highest among the groups gnomAD compares: African/African-American, 2.1%; 18 homozygotes.

Submissions (3):

Labcorp Genetics (formerly Invitae), Labcorp
Classification: Benign. Last evaluated: 2026-01-11. Review status: criteria provided, single submitter. Criteria: Invitae Variant Classification Sherloc (09022015). Collection method: clinical testing. Allele origin: germline.

Illumina Laboratory Services, Illumina
Classification: Uncertain significance for Mitochondrial complex I deficiency, nuclear type 1. Last evaluated: 2018-01-13. Review status: criteria provided, single submitter. Criteria: ICSL Variant Classification Criteria 13 December 2019. Collection method: clinical testing. Allele origin: germline.

GeneDx
Classification: Benign. Last evaluated: 2014-06-12. Review status: criteria provided, single submitter. Criteria: GeneDx Variant Classification (06012015). Collection method: clinical testing. Allele origin: germline. Affected: yes.
Comment: This variant is considered likely benign or benign based on one or more of the following criteria: it is a conservative change, it occurs at a poorly conserved position in the protein, it is predicted to be benign by multiple in silico algorithms, and/or has population frequency not consistent with disease.

NM_025152.3(NUBPL):c.162C>T (p.Ser54=)

Gene: NUBPL (NUBP iron-sulfur cluster assembly factor, mitochondrial; plus strand). Cytogenetic location: 14q12.
Variant type: single nucleotide variant.
Coding change: c.162C>T on transcript NM_025152.3 (MANE Select); coding-DNA position 162, C replaced by T.
Protein change: p.Ser54=; no amino-acid change (serine 54 retained).
Molecular consequence: synonymous variant. On other transcripts: non-coding transcript variant (1).
Genome position (GRCh38, 1-based): chr14:31,562,121, C>T. VCF-style: chr14-31562121-C-T. GRCh37 (hg19) VCF-style: chr14-32031327-C-T.
Identifiers: ClinVar variation 214871 (VCV000214871.14), dbSNP rs34570972, ClinGen allele CA321462.
Genomic context (GRCh38, chr14:31,562,121, plus strand): 5'-TTTAAAGTTGTCTGGCGCCGGGAGTGAGACCCTAAAACAAAGAAGAACACAAATCATGTC[C>T]CGAGGACTTCCAAAGCAGAAACCGATAGAAGGTGTTAAACAAGTTATAGTTGTGGCTTCT-3'
Protein context (NP_079428.2, residues 44-64): TLKQRRTQIM[Ser54=]RGLPKQKPIE